The following is an entry in ClinVar:

ClinVar aggregate classification (germline): Pathogenic (3 of 4 stars; one submission).

Conditions:
Breast-ovarian cancer, familial, susceptibility to, 1 (BROVCA1). Also called: BRCA1 Hereditary Breast and Ovarian Cancer; OVARIAN CANCER, SUSCEPTIBILITY TO. Identifiers: Orphanet 145, MedGen C2676676, MONDO:0011450, OMIM 604370. Disease mechanism: loss of function.

Submission:

Evidence-based Network for the Interpretation of Germline Mutant Alleles (ENIGMA)
Classification: Pathogenic for Breast-ovarian cancer, familial, susceptibility to, 1. Last evaluated: 2016-10-18. Review status: reviewed by expert panel. Criteria: ENIGMA BRCA1/2 Classification Criteria (2015). Collection method: curation. Allele origin: germline.
Comment: Variant allele predicted to encode a truncated non-functional protein.

NM_007294.4(BRCA1):c.2861_2864del (p.Leu954fs)

Gene: BRCA1 (BRCA1 DNA repair associated; minus strand). Cytogenetic location: 17q21.31.
Variant type: Deletion.
Coding change: c.2861_2864del on transcript NM_007294.4 (MANE Select); coding-DNA positions 2861 to 2864, 4 bases deleted (TATC; older notation c.2861_2864delTATC).
Protein change: p.Leu954fs; shifts the reading frame from leucine 954.
Molecular consequence: frameshift variant. On other transcripts: intron variant (137).
Genome position (GRCh38, 1-based): chr17:43,092,667-43,092,670, GATA deleted on the plus strand (TATC on the coding strand, the reverse complement: BRCA1 is on the minus strand); deleting any 4 consecutive bases within chr17:43,092,667-43,092,672 gives the same sequence; the c. name uses the placement nearest the transcript's 3' end. VCF-style (leftmost placement, unchanged base first): chr17-43092666-TGATA-T. GRCh37 (hg19) VCF-style: chr17-41244683-TGATA-T.
Other names: 2980del4; c.2738_2741del, p.Leu913fs (NM_001407669.1, NM_001407674.1, NM_001407675.1 and 19 more transcripts); c.2735_2738del, p.Leu912fs (NM_001407670.1, NM_001407671.1, NM_001407672.1 and 11 more transcripts); c.2861_2864del, p.Leu954fs (NM_001407684.1, NM_001407854.1, NM_001407858.1 and 30 more transcripts); c.2720_2723del, p.Leu907fs (NM_001407692.1, NM_001407694.1, NM_001407695.1 and 29 more transcripts); c.2717_2720del, p.Leu906fs (NM_001407740.1, NM_001407741.1, NM_001407742.1 and 20 more transcripts); c.2648_2651del, p.Leu883fs (NM_001407853.1, NM_001407894.1, NM_001407895.1 and 9 more transcripts); c.2858_2861del, p.Leu953fs (NM_001407860.1, NM_001407861.1, NM_001407587.1 and 22 more transcripts); and 43 more; short protein forms L907fs, L954fs, L883fs, L884fs, L886fs, L887fs, L927fs, L906fs.
Identifiers: ClinVar variation 266310 (VCV000266310.4), dbSNP rs886040078, ClinGen allele CA10589805.